The following is an entry in ClinVar:

ClinVar aggregate classification (germline): Conflicting classifications of pathogenicity. Review status: criteria provided, conflicting classifications (1 of 4 stars). 5 submissions from 5 submitters: Uncertain significance (1); Benign (2); Likely benign (2). Last evaluated 2024-10-09.

Conditions:
Hereditary cancer-predisposing syndrome. Also called: Tumor predisposition; Neoplastic Syndromes, Hereditary; Hereditary Cancer Syndrome; Hereditary neoplastic syndrome. Identifiers: Orphanet 140162, MedGen C0027672, MeSH D009386, MONDO:0015356.
Hereditary diffuse gastric adenocarcinoma (HDGC). Also called: DIFFUSE GASTRIC AND LOBULAR BREAST CANCER SYNDROME. Identifiers: Orphanet 26106, MedGen C1708349, MONDO:0007648, OMIM 137215.

Allele frequency attached by ClinVar (database versions not stated): TOPMed 0.00002; gnomAD 0.00038 and 0.00041; ExAC 0.00043; gnomAD exomes 0.00049.
gnomAD v4.1: 337 of 1,603,894 alleles (0.021%); highest among the groups gnomAD compares: South Asian, 0.0044%; no homozygotes.

Submissions (5):

Blueprint Genetics
Classification: Likely benign. Last evaluated: 2024-10-09. Review status: criteria provided, single submitter. Criteria: ACMG Guidelines, 2015. Collection method: clinical testing. Allele origin: germline.

European Reference Network on Genetic Tumour Risk Syndromes (ERN-GENTURIS), i3s - Instituto de Investigação e Inovação em Saúde, University of Porto
Classification: Uncertain significance for Hereditary diffuse gastric adenocarcinoma. Last evaluated: 2022-08-01. Review status: criteria provided, single submitter. Criteria: Lee et al. (Hum Mutat. 2018). Collection method: clinical testing. Allele origin: germline. Inheritance: Autosomal dominant inheritance. Affected: no. Study: ERN GENTURIS.
Comment: BS2_Supporting (PMID: 30311375)

Color Diagnostics, LLC DBA Color Health
Classification: Benign for Hereditary cancer-predisposing syndrome. Last evaluated: 2016-10-25. Review status: criteria provided, single submitter. Criteria: ACMG Guidelines, 2015. Collection method: clinical testing. Allele origin: germline.

GeneDx
Classification: Benign. Last evaluated: 2015-03-03. Review status: criteria provided, single submitter. Criteria: GeneDx Variant Classification Process June 2021. Collection method: clinical testing. Allele origin: germline. Affected: yes.

Ambry Genetics
Classification: Likely benign for Hereditary cancer-predisposing syndrome. Last evaluated: 2014-08-15. Review status: criteria provided, single submitter. Criteria: Ambry Variant Classification Scheme 2023. Collection method: clinical testing. Allele origin: germline.

Literature cited by the submitters: PubMed 36436516 (cited by European Reference Network on Genetic Tumour Risk Syndromes (ERN-GENTURIS), i3s - Instituto de Investigação e Inovação em Saúde, University of Porto).

NM_004360.5(CDH1):c.*16C>T

Gene: CDH1 (cadherin 1; plus strand). Cytogenetic location: 16q22.1.
Variant type: single nucleotide variant.
Coding change: c.*16C>T on transcript NM_004360.5 (MANE Select); 16 bases downstream of the stop codon, C replaced by T.
Molecular consequence: 3 prime UTR variant.
Genome position (GRCh38, 1-based): chr16:68,833,515, C>T. VCF-style: chr16-68833515-C-T. GRCh37 (hg19) VCF-style: chr16-68867418-C-T.
Other names: c.*16C>T (NM_001317184.2, NM_001317185.2, NM_001317186.2).
Identifiers: ClinVar variation 630489 (VCV000630489.7), dbSNP rs769544370, ClinGen allele CA8130321.